The following is an entry in ClinVar:

ClinVar aggregate classification (germline): Uncertain significance (1 of 4 stars; one submission).

Allele frequency attached by ClinVar (database versions not stated): gnomAD exomes 0.00001.
gnomAD v4.1: 13 of 1,609,636 alleles (0.00081%); highest among the groups gnomAD compares: Non-Finnish European, 0.001%; no homozygotes.

Submission:

Labcorp Genetics (formerly Invitae), Labcorp
Classification: Uncertain significance. Last evaluated: 2023-07-31. Review status: criteria provided, single submitter. Criteria: Invitae Variant Classification Sherloc (09022015). Collection method: clinical testing. Allele origin: germline.
Comment: This sequence change falls in intron 6 of the NLRP1 gene. It does not directly change the encoded amino acid sequence of the NLRP1 protein. This variant is not present in population databases (gnomAD no frequency). This variant has not been reported in the literature in individuals affected with NLRP1-related conditions. Algorithms developed to predict the effect of sequence changes on RNA splicing suggest that this variant may disrupt the consensus splice site. In summary, the available evidence is currently insufficient to determine the role of this variant in disease. Therefore, it has been classified as a Variant of Uncertain Significance.

NM_033004.4(NLRP1):c.2699+19C>G

Gene: NLRP1 (NLR family pyrin domain containing 1; minus strand). Cytogenetic location: 17p13.2.
Variant type: single nucleotide variant.
Coding change: c.2699+19C>G on transcript NM_033004.4 (MANE Select); 19 bases into the intron after coding-DNA position 2699, C replaced by G.
Molecular consequence: intron variant.
Genome position (GRCh38, 1-based): chr17:5,541,838, G>C on the plus strand (C>G on the coding strand, the complement: NLRP1 is on the minus strand). VCF-style: chr17-5541838-G-C. GRCh37 (hg19) VCF-style: chr17-5445158-G-C.
Other names: c.2699+19C>G (NM_001033053.3, NM_033007.4, NM_033006.4 and 1 more transcripts).
Identifiers: ClinVar variation 2794533 (VCV002794533.3), dbSNP rs2507865193, ClinGen allele CA2576141863.
Genomic context (GRCh38, chr17:5,541,838, plus strand): 5'-CTCTCTGCTCTTACCCTCTGCCTGCCTCATGGTGGCAGGCAGTTCCCTCCACCTCCCCCT[G>C]CCCACCAAGAACAATTACTGCAGTCGCTGTAGCTTGCAGCTCGGCTGTCTCAGTCTCTGG-3'